The following is an entry in ClinVar:

ClinVar aggregate classification (germline): Uncertain significance. Review status: criteria provided, multiple submitters, no conflicts (2 of 4 stars). 2 submissions from 2 submitters: Uncertain significance (2). Last evaluated 2025-06-10.

Conditions:
Hereditary cancer-predisposing syndrome. Also called: Hereditary neoplastic syndrome; Tumor predisposition; Neoplastic Syndromes, Hereditary; Hereditary Cancer Syndrome. Identifiers: Orphanet 140162, MedGen C0027672, MeSH D009386, MONDO:0015356.
Oligodontia-cancer predisposition syndrome. Also called: TOOTH AGENESIS-COLORECTAL CANCER SYNDROME. Identifiers: Orphanet 300576, MedGen C1837750, MONDO:0012075, OMIM 608615. Disease mechanism: loss of function.

Allele frequency attached by ClinVar (database versions not stated): gnomAD exomes 0.00001; ExAC 0.00002.
gnomAD v4.1: 5 of 1,614,022 alleles (0.00031%); highest among the groups gnomAD compares: South Asian, 0.0022%; no homozygotes.

Submissions (2):

Labcorp Genetics (formerly Invitae), Labcorp
Classification: Uncertain significance for Oligodontia-cancer predisposition syndrome. Last evaluated: 2025-06-10. Review status: criteria provided, single submitter. Criteria: Invitae Variant Classification Sherloc (09022015). Collection method: clinical testing. Allele origin: germline.
Comment: This sequence change replaces tyrosine, which is neutral and polar, with histidine, which is basic and polar, at codon 325 of the AXIN2 protein (p.Tyr325His). This variant is present in population databases (rs758075343, gnomAD 0.003%). This variant has not been reported in the literature in individuals affected with AXIN2-related conditions. ClinVar contains an entry for this variant (Variation ID: 571413). Invitae Evidence Modeling of protein sequence and biophysical properties (such as structural, functional, and spatial information, amino acid conservation, physicochemical variation, residue mobility, and thermodynamic stability) indicates that this missense variant is expected to disrupt AXIN2 protein function with a positive predictive value of 80%. In summary, the available evidence is currently insufficient to determine the role of this variant in disease. Therefore, it has been classified as a Variant of Uncertain Significance.

Ambry Genetics
Classification: Uncertain significance for Hereditary cancer-predisposing syndrome. Last evaluated: 2022-10-26. Review status: criteria provided, single submitter. Criteria: Ambry Variant Classification Scheme 2023. Collection method: clinical testing. Allele origin: germline.
Comment: The p.Y325H variant (also known as c.973T>C), located in coding exon 3 of the AXIN2 gene, results from a T to C substitution at nucleotide position 973. The tyrosine at codon 325 is replaced by histidine, an amino acid with similar properties. This amino acid position is highly conserved in available vertebrate species. In addition, this alteration is predicted to be deleterious by in silico analysis. Since supporting evidence is limited at this time, the clinical significance of this alteration remains unclear.

NM_004655.4(AXIN2):c.973T>C (p.Tyr325His)

Gene: AXIN2 (axin 2; minus strand). Cytogenetic location: 17q24.1.
Variant type: single nucleotide variant.
Coding change: c.973T>C on transcript NM_004655.4 (MANE Select); coding-DNA position 973, T replaced by C.
Protein change: p.Tyr325His; replaces tyrosine 325 with histidine.
Molecular consequence: missense variant.
Genome position (GRCh38, 1-based): chr17:65,541,541, A>G on the plus strand (T>C on the coding strand, the complement: AXIN2 is on the minus strand). VCF-style: chr17-65541541-A-G. GRCh37 (hg19) VCF-style: chr17-63537659-A-G.
Other names: c.973T>C (LRG_296t1); c.973T>C, p.Tyr325His (NM_001363813.1); short protein forms Y325H.
Identifiers: ClinVar variation 571413 (VCV000571413.11), dbSNP rs758075343, ClinGen allele CA8718912.